The following is an entry in ClinVar:

NM_006158.5(NEFL):c.968G>A (p.Arg323Gln)

Gene: NEFL (neurofilament light chain; minus strand). Cytogenetic location: 8p21.2.
Variant type: single nucleotide variant.
Coding change: c.968G>A on transcript NM_006158.5 (MANE Select); coding-DNA position 968, G replaced by A.
Protein change: p.Arg323Gln; replaces arginine 323 with glutamine.
Molecular consequence: missense variant.
Genome position (GRCh38, 1-based): chr8:24,955,548, C>T on the plus strand (G>A on the coding strand, the complement: NEFL is on the minus strand). VCF-style: chr8-24955548-C-T. GRCh37 (hg19) VCF-style: chr8-24813062-C-T.
Other names: short protein forms R323Q.
Identifiers: ClinVar variation 2704396 (VCV002704396.3), dbSNP rs864622499, ClinGen allele CA370621231.

ClinVar aggregate classification (germline): Uncertain significance (1 of 4 stars; one submission).

Conditions:
Charcot-Marie-Tooth disease type 2E (CMT2E). Also called: CHARCOT-MARIE-TOOTH DISEASE, AXONAL, TYPE 2E; CHARCOT-MARIE-TOOTH NEUROPATHY, TYPE 2E. Identifiers: Orphanet 99939, MedGen C1843225, MONDO:0011894, OMIM 607684.

Allele frequency attached by ClinVar (database versions not stated): gnomAD exomes 0.00001; gnomAD 0.00002.
gnomAD v4.1: 6 of 1,613,472 alleles (0.00037%); highest among the groups gnomAD compares: Non-Finnish European, 0.00051%; no homozygotes.

Submission:

Labcorp Genetics (formerly Invitae), Labcorp
Classification: Uncertain significance for Charcot-Marie-Tooth disease type 2E. Last evaluated: 2023-10-04. Review status: criteria provided, single submitter. Criteria: Invitae Variant Classification Sherloc (09022015). Collection method: clinical testing. Allele origin: germline.
Comment: This sequence change replaces arginine, which is basic and polar, with glutamine, which is neutral and polar, at codon 323 of the NEFL protein (p.Arg323Gln). This variant is present in population databases (no rsID available, gnomAD 0.002%). This variant has not been reported in the literature in individuals affected with NEFL-related conditions. Advanced modeling of protein sequence and biophysical properties (such as structural, functional, and spatial information, amino acid conservation, physicochemical variation, residue mobility, and thermodynamic stability) performed at Invitae indicates that this missense variant is not expected to disrupt NEFL protein function. This variant disrupts the p.Arg323 amino acid residue in NEFL. Other variant(s) that disrupt this residue have been determined to be pathogenic (Invitae). This suggests that this residue is clinically significant, and that variants that disrupt this residue are likely to be disease-causing. In summary, the available evidence is currently insufficient to determine the role of this variant in disease. Therefore, it has been classified as a Variant of Uncertain Significance.